The following is an entry in ClinVar:

NM_003072.5(SMARCA4):c.442G>T (p.Gly148Trp)

Gene: SMARCA4 (SWI/SNF related BAF chromatin remodeling complex subunit ATPase 4; plus strand). Cytogenetic location: 19p13.2.
Variant type: single nucleotide variant.
Coding change: c.442G>T on transcript NM_003072.5 (MANE Select); coding-DNA position 442, G replaced by T.
Protein change: p.Gly148Trp; replaces glycine 148 with tryptophan.
Molecular consequence: missense variant. On other transcripts: non-coding transcript variant (1).
Genome position (GRCh38, 1-based): chr19:10,986,275, G>T. VCF-style: chr19-10986275-G-T. GRCh37 (hg19) VCF-style: chr19-11096951-G-T.
Other names: c.442G>T, p.Gly148Trp (NM_001128844.3, NM_001128845.2, NM_001128846.2 and 6 more transcripts); short protein forms G148W.
Identifiers: ClinVar variation 3636827 (VCV003636827.2).

ClinVar aggregate classification (germline): Uncertain significance (1 of 4 stars; one submission).

Conditions:
Rhabdoid tumor predisposition syndrome 2 (RTPS2). Identifiers: Orphanet 231108, Orphanet 69077, MedGen C2750074, MONDO:0013224, OMIM 613325.

gnomAD v4.1: 1 of 1,613,792 alleles (0.000062%); highest among the groups gnomAD compares: South Asian, 0.0011%; no homozygotes.

Submission:

Labcorp Genetics (formerly Invitae), Labcorp
Classification: Uncertain significance for Rhabdoid tumor predisposition syndrome 2. Last evaluated: 2024-11-09. Review status: criteria provided, single submitter. Criteria: Invitae Variant Classification Sherloc (09022015). Collection method: clinical testing. Allele origin: germline.
Comment: This sequence change replaces glycine, which is neutral and non-polar, with tryptophan, which is neutral and slightly polar, at codon 148 of the SMARCA4 protein (p.Gly148Trp). This variant is not present in population databases (gnomAD no frequency). This variant has not been reported in the literature in individuals affected with SMARCA4-related conditions. Invitae Evidence Modeling of protein sequence and biophysical properties (such as structural, functional, and spatial information, amino acid conservation, physicochemical variation, residue mobility, and thermodynamic stability) indicates that this missense variant is not expected to disrupt SMARCA4 protein function with a negative predictive value of 80%. In summary, the available evidence is currently insufficient to determine the role of this variant in disease. Therefore, it has been classified as a Variant of Uncertain Significance.